The following is an entry in ClinVar:

NM_018418.5(SPATA7):c.978_980del (p.Asp326_Ser327delinsGlu)

Gene: SPATA7 (spermatogenesis associated 7; plus strand). Cytogenetic location: 14q31.3.
Variant type: Deletion.
Coding change: c.978_980del on transcript NM_018418.5 (MANE Select); coding-DNA positions 978 to 980, 3 bases deleted (CTC; older notation c.978_980delCTC).
Protein change: p.Asp326_Ser327delinsGlu.
Molecular consequence: inframe indel.
Genome position (GRCh38, 1-based): chr14:88,429,413-88,429,415, CTC deleted. VCF-style (leftmost placement, unchanged base first): chr14-88429412-ACTC-A. GRCh37 (hg19) VCF-style: chr14-88895756-ACTC-A.
Other names: c.882_884del, p.Asp294_Ser295delinsGlu (NM_001040428.4).
Identifiers: ClinVar variation 1502343 (VCV001502343.6), dbSNP rs2140004363, ClinGen allele CA2573150216.
Genomic context (GRCh38, chr14:88,429,412, plus strand): 5'-CTAATTGTGTGACATATGATGCCAAAGAAAAAATAGCTCCTTTACCTTTAGAAGGGCATG[ACTC>A]AACATGGGATGAGATTAAGGATGATGCTCTTCAGCATTCCTCACCAAGGTAAACAGTTCA-3'

ClinVar aggregate classification (germline): Uncertain significance (1 of 4 stars; one submission).

Conditions:
Leber congenital amaurosis 3 (LCA3). Also called: SPATA7-Related Retinitis Pigmentosa. Identifiers: MedGen C1858677, MONDO:0011415, OMIM 604232.

Submission:

Labcorp Genetics (formerly Invitae), Labcorp
Classification: Uncertain significance for Leber congenital amaurosis 3. Last evaluated: 2022-07-12. Review status: criteria provided, single submitter. Criteria: Invitae Variant Classification Sherloc (09022015). Collection method: clinical testing. Allele origin: germline.
Comment: In summary, the available evidence is currently insufficient to determine the role of this variant in disease. Therefore, it has been classified as a Variant of Uncertain Significance. Experimental studies and prediction algorithms are not available or were not evaluated, and the functional significance of this variant is currently unknown. ClinVar contains an entry for this variant (Variation ID: 1502343). This variant has not been reported in the literature in individuals affected with SPATA7-related conditions. This variant is not present in population databases (gnomAD no frequency). This variant, c.978_980del, is a complex sequence change that results in the deletion of 2 and insertion of 1 amino acid(s) in the SPATA7 protein (p.Asp326_Ser327delinsGlu).